The following is an entry in ClinVar:

NM_001244926.2(PRPF4):c.17C>T (p.Ala6Val)

Gene: PRPF4 (pre-mRNA splicing tri-snRNP complex factor PRPF4; plus strand). Cytogenetic location: 9q32.
Variant type: single nucleotide variant.
Coding change: c.17C>T on transcript NM_001244926.2 (MANE Select); coding-DNA position 17, C replaced by T.
Protein change: p.Ala6Val; replaces alanine 6 with valine.
Molecular consequence: missense variant. On other transcripts: 5 prime UTR variant (2), non-coding transcript variant (2).
Genome position (GRCh38, 1-based): chr9:113,275,760, C>T. VCF-style: chr9-113275760-C-T. GRCh37 (hg19) VCF-style: chr9-116038040-C-T.
Other names: c.-749C>T (NM_001322266.2); c.-752C>T (NM_001322267.2); c.17C>T, p.Ala6Val (NM_004697.5); short protein forms A6V.
Identifiers: ClinVar variation 2110008 (VCV002110008.4), dbSNP rs1200954096, ClinGen allele CA374550975.

ClinVar aggregate classification (germline): Uncertain significance (1 of 4 stars; one submission).

Allele frequency attached by ClinVar (database versions not stated): gnomAD exomes below 0.00001.
gnomAD v4.1: 4 of 1,612,658 alleles (0.00025%); highest among the groups gnomAD compares: Non-Finnish European, 0.00034%; no homozygotes.

Submission:

Labcorp Genetics (formerly Invitae), Labcorp
Classification: Uncertain significance. Last evaluated: 2025-07-14. Review status: criteria provided, single submitter. Criteria: Invitae Variant Classification Sherloc (09022015). Collection method: clinical testing. Allele origin: germline.
Comment: This sequence change replaces alanine, which is neutral and non-polar, with valine, which is neutral and non-polar, at codon 6 of the PRPF4 protein (p.Ala6Val). The frequency data for this variant in the population databases is considered unreliable, as metrics indicate poor data quality at this position in the gnomAD database. This variant has not been reported in the literature in individuals affected with PRPF4-related conditions. ClinVar contains an entry for this variant (Variation ID: 2110008). An algorithm developed to predict the effect of missense changes on protein structure and function (PolyPhen-2) suggests that this variant is likely to be tolerated. In summary, the available evidence is currently insufficient to determine the role of this variant in disease. Therefore, it has been classified as a Variant of Uncertain Significance.